The following is an entry in ClinVar:

ClinVar aggregate classification (germline): Benign/Likely benign. Review status: criteria provided, multiple submitters, no conflicts (2 of 4 stars). 3 submissions from 3 submitters: Benign (1); Likely benign (2). Last evaluated 2026-01-21.

Conditions:
Argininosuccinate lyase deficiency. Also called: ARGININOSUCCINIC ACID LYASE DEFICIENCY; ASL DEFICIENCY; Argininosuccinic aciduria. Identifiers: Orphanet 23, MedGen C0268547, MONDO:0008815, OMIM 207900, HP:0025630.

Submissions (3):

Labcorp Genetics (formerly Invitae), Labcorp
Classification: Benign for Argininosuccinate lyase deficiency. Last evaluated: 2026-01-21. Review status: criteria provided, single submitter. Criteria: Invitae Variant Classification Sherloc (09022015). Collection method: clinical testing. Allele origin: germline.

Blueprint Genetics
Classification: Likely benign. Last evaluated: 2024-11-25. Review status: criteria provided, single submitter. Criteria: ACMG Guidelines, 2015. Collection method: clinical testing. Allele origin: germline.

GeneDx
Classification: Likely benign. Last evaluated: 2016-03-24. Review status: criteria provided, single submitter. Criteria: GeneDx Variant Classification (06012015). Collection method: clinical testing. Allele origin: germline. Affected: yes.
Comment: This variant is considered likely benign or benign based on one or more of the following criteria: it is a conservative change, it occurs at a poorly conserved position in the protein, it is predicted to be benign by multiple in silico algorithms, and/or has population frequency not consistent with disease.

NM_000048.4(ASL):c.978+15dup

Gene: ASL (argininosuccinate lyase; plus strand). Cytogenetic location: 7q11.21.
Variant type: Duplication.
Coding change: c.978+15dup on transcript NM_000048.4 (MANE Select); 15 bases into the intron after coding-DNA position 978, one base duplicated (G; older notation c.978+15dupG).
Molecular consequence: intron variant.
Genome position (GRCh38, 1-based): chr7:66,089,350, G duplicated; the last of 5 consecutive G bases (chr7:66,089,346-66,089,350); duplicating any one gives the same sequence. VCF-style (leftmost placement, unchanged base first): chr7-66089345-C-CG. GRCh37 (hg19) VCF-style: chr7-65554332-C-CG.
Other names: c.978+15dup (NM_001024943.2); c.918+175dup (NM_001024944.2); c.900+15dup (NM_001024946.2); c.978+15dupG (NM_000048.3).
Identifiers: ClinVar variation 418020 (VCV000418020.9), dbSNP rs535066653, ClinGen allele CA4277215.